The following is an entry in ClinVar:

ClinVar aggregate classification (germline): Uncertain significance. Review status: criteria provided, multiple submitters, no conflicts (2 of 4 stars). 3 submissions from 3 submitters: Uncertain significance (3). Last evaluated 2026-01-23.

Conditions:
DNA ligase IV deficiency. Identifiers: Orphanet 99812, MedGen C1847827, MONDO:0011686, OMIM 606593.
Inborn genetic diseases. Identifiers: MedGen C0950123, MeSH D030342.

Allele frequency attached by ClinVar (database versions not stated): ExAC 0.00001; gnomAD exomes 0.00001; ESP Exome Variant Server 0.00008; gnomAD 0.00008 and 0.00009; TOPMed 0.00010.
gnomAD v4.1: 19 of 1,613,912 alleles (0.0012%); highest among the groups gnomAD compares: African/African-American, 0.024%; no homozygotes.

Submissions (3):

Women's Health and Genetics/Laboratory Corporation of America, LabCorp
Classification: Uncertain significance. Last evaluated: 2026-01-23. Review status: criteria provided, single submitter. Criteria: LabCorp Variant Classification Summary - May 2015. Collection method: clinical testing. Allele origin: germline.

Ambry Genetics
Classification: Uncertain significance for Inborn genetic diseases. Last evaluated: 2025-04-07. Review status: criteria provided, single submitter. Criteria: Ambry Variant Classification Scheme 2023. Collection method: clinical testing. Allele origin: germline.

Labcorp Genetics (formerly Invitae), Labcorp
Classification: Uncertain significance for DNA ligase IV deficiency. Last evaluated: 2024-10-20. Review status: criteria provided, single submitter. Criteria: Invitae Variant Classification Sherloc (09022015). Collection method: clinical testing. Allele origin: germline.
Comment: This sequence change replaces alanine, which is neutral and non-polar, with valine, which is neutral and non-polar, at codon 797 of the LIG4 protein (p.Ala797Val). This variant is present in population databases (rs373272193, gnomAD 0.02%). This variant has not been reported in the literature in individuals affected with LIG4-related conditions. ClinVar contains an entry for this variant (Variation ID: 1448943). Invitae Evidence Modeling of protein sequence and biophysical properties (such as structural, functional, and spatial information, amino acid conservation, physicochemical variation, residue mobility, and thermodynamic stability) has been performed for this missense variant. However, the output from this modeling did not meet the statistical confidence thresholds required to predict the impact of this variant on LIG4 protein function. In summary, the available evidence is currently insufficient to determine the role of this variant in disease. Therefore, it has been classified as a Variant of Uncertain Significance.

NM_206937.2(LIG4):c.2390C>T (p.Ala797Val)

Gene: LIG4 (DNA ligase 4; minus strand). Cytogenetic location: 13q33.3.
Variant type: single nucleotide variant.
Coding change: c.2390C>T on transcript NM_206937.2 (MANE Select); coding-DNA position 2390, C replaced by T.
Protein change: p.Ala797Val; replaces alanine 797 with valine.
Molecular consequence: missense variant.
Genome position (GRCh38, 1-based): chr13:108,208,879, G>A on the plus strand (C>T on the coding strand, the complement: LIG4 is on the minus strand). VCF-style: chr13-108208879-G-A. GRCh37 (hg19) VCF-style: chr13-108861227-G-A.
Other names: c.2390C>T, p.Ala797Val (NM_001098268.2, NM_001352598.2, NM_001352599.2 and 6 more transcripts); c.2189C>T, p.Ala730Val (NM_001330595.2); c.2426C>T, p.Ala809Val (NM_001352604.2); short protein forms A809V, A730V, A797V.
Identifiers: ClinVar variation 1448943 (VCV001448943.10), dbSNP rs373272193, ClinGen allele CA7043515.